The following is an entry in ClinVar:

NM_012123.4(MTO1):c.970del (p.Arg324fs)

Gene: MTO1 (mitochondrial tRNA translation optimization 1; plus strand). Cytogenetic location: 6q13.
Variant type: Deletion.
Coding change: c.970del on transcript NM_012123.4 (MANE Select); coding-DNA position 970, one base deleted (C; older notation c.970delC).
Protein change: p.Arg324fs; shifts the reading frame from arginine 324.
Molecular consequence: frameshift variant.
Genome position (GRCh38, 1-based): chr6:73,479,967, C deleted. VCF-style (leftmost placement, unchanged base first): chr6-73479966-GC-G. GRCh37 (hg19) VCF-style: chr6-74189689-GC-G.
Other names: c.970del, p.Arg324fs (NM_001123226.2, NM_133645.3); short protein forms R324fs.
Identifiers: ClinVar variation 1986427 (VCV001986427.4), dbSNP rs2533279241, ClinGen allele CA2580075930.

ClinVar aggregate classification (germline): Pathogenic (1 of 4 stars; one submission).

Conditions:
Mitochondrial hypertrophic cardiomyopathy with lactic acidosis due to MTO1 deficiency. Also called: CARDIOMYOPATHY, INFANTILE HYPERTROPHIC MITOCHONDRIAL, AND LACTIC ACIDOSIS; Combined oxidative phosphorylation deficiency 10. Identifiers: Orphanet 314637, MedGen C4749921, MONDO:0013865, OMIM 614702.

Submission:

Labcorp Genetics (formerly Invitae), Labcorp
Classification: Pathogenic for Mitochondrial hypertrophic cardiomyopathy with lactic acidosis due to MTO1 deficiency. Last evaluated: 2022-07-11. Review status: criteria provided, single submitter. Criteria: Invitae Variant Classification Sherloc (09022015). Collection method: clinical testing. Allele origin: germline.
Comment: For these reasons, this variant has been classified as Pathogenic. This variant has not been reported in the literature in individuals affected with MTO1-related conditions. This variant is not present in population databases (gnomAD no frequency). This sequence change creates a premature translational stop signal (p.Arg324Valfs*28) in the MTO1 gene. It is expected to result in an absent or disrupted protein product. Loss-of-function variants in MTO1 are known to be pathogenic (PMID: 22608499, 25058219).

Literature cited by the submitters: PubMed 22608499; PubMed 25058219.